The following is an entry in ClinVar:

ClinVar aggregate classification (germline): Likely benign (0 of 4 stars; one submission).

Conditions:
PHIP-related disorder. Also called: PHIP-related condition; PHIP-related disorders.

gnomAD v4.1: 3 of 1,590,372 alleles (0.00019%); highest among the groups gnomAD compares: African/African-American, 0.0013%; no homozygotes.

Submission:

PreventionGenetics, part of Exact Sciences
Classification: Likely benign for PHIP-related condition. Last evaluated: 2022-11-10. Review status: no assertion criteria provided. Collection method: clinical testing. Allele origin: germline.
Comment: This variant is classified as likely benign based on ACMG/AMP sequence variant interpretation guidelines (Richards et al. 2015 PMID: 25741868, with internal and published modifications).

NM_017934.7(PHIP):c.828A>T (p.Ser276=)

Gene: PHIP (PHIP subunit of CUL4-Ring ligase complex; minus strand). Cytogenetic location: 6q14.1.
Variant type: single nucleotide variant.
Coding change: c.828A>T on transcript NM_017934.7 (MANE Select); coding-DNA position 828, A replaced by T.
Protein change: p.Ser276=; no amino-acid change (serine 276 retained).
Molecular consequence: synonymous variant.
Genome position (GRCh38, 1-based): chr6:79,025,614, T>A on the plus strand (A>T on the coding strand, the complement: PHIP is on the minus strand). VCF-style: chr6-79025614-T-A. GRCh37 (hg19) VCF-style: chr6-79735331-T-A.
Identifiers: ClinVar variation 3353833 (VCV003353833.1).
Genomic context (GRCh38, chr6:79,025,614, plus strand): 5'-ACAAATAGTGCCATCTGCCCCAGTAGAAGATAGATATCTCTTTGAGCCACTGCACAATGG[T>A]GAGAACTGAAAAGACAATCACAGAAAAAAAATCTTTACAAGAGTGACACAGTCAAAATAA-3'
Protein context (NP_060404.4, residues 266-286): HSASITSLQF[Ser276=]PLCSGSKRYL